The following is an entry in ClinVar:

NM_004168.4(SDHA):c.-4dup

Gene: SDHA (succinate dehydrogenase complex flavoprotein subunit A; plus strand). Cytogenetic location: 5p15.33.
Variant type: Duplication.
Coding change: c.-4dup on transcript NM_004168.4 (MANE Select); 4 bases upstream of the start codon, one base duplicated (A; older notation c.-4dupA).
Molecular consequence: 5 prime UTR variant.
Genome position (GRCh38, 1-based): chr5:218,352, A duplicated. VCF-style (leftmost placement, unchanged base first): chr5-218351-C-CA. GRCh37 (hg19) VCF-style: chr5-218466-C-CA.
Other names: c.-4dup (NM_001294332.2, NM_001330758.2).
Identifiers: ClinVar variation 486398 (VCV000486398.5), dbSNP rs1553996331, ClinGen allele CA658657415.

ClinVar aggregate classification (germline): Uncertain significance (1 of 4 stars; one submission).

Conditions:
Hereditary cancer-predisposing syndrome. Also called: Tumor predisposition; Hereditary Cancer Syndrome; Hereditary neoplastic syndrome; Neoplastic Syndromes, Hereditary. Identifiers: Orphanet 140162, MedGen C0027672, MeSH D009386, MONDO:0015356.

Allele frequency attached by ClinVar (database versions not stated): gnomAD exomes below 0.00001.

Submission:

Ambry Genetics
Classification: Uncertain significance for Hereditary cancer-predisposing syndrome. Last evaluated: 2017-01-04. Review status: criteria provided, single submitter. Criteria: Ambry Variant Classification Scheme 2023. Collection method: clinical testing. Allele origin: germline.
Comment: The c.-4dupA variant is located in the 5' untranslated region (5'UTR) of the SDHA gene. This variant results from a duplication of an A nucleotide 4 nucleotides upstream from the first translated codon. This nucleotide position is well conserved in available vertebrate species. Since supporting evidence is limited at this time, the clinical significance of this alteration remains unclear.